The following is an entry in ClinVar:

ClinVar aggregate classification (germline): Uncertain significance (1 of 4 stars; one submission).

Conditions:
Ornithine aminotransferase deficiency (GACR). Also called: HYPERORNITHINEMIA WITH GYRATE ATROPHY OF CHOROID AND RETINA; OAT DEFICIENCY; OKT DEFICIENCY; Ornithine ketoacid aminotransferase deficiency; Gyrate atrophy; Gyrate atrophy of choroid and retina. Identifiers: Orphanet 414, MedGen C0018425, MONDO:0009796, OMIM 258870.

Allele frequency attached by ClinVar (database versions not stated): TOPMed below 0.00001.

Submission:

Labcorp Genetics (formerly Invitae), Labcorp
Classification: Uncertain significance for Ornithine aminotransferase deficiency. Last evaluated: 2022-08-12. Review status: criteria provided, single submitter. Criteria: Invitae Variant Classification Sherloc (09022015). Collection method: clinical testing. Allele origin: germline.
Comment: This sequence change replaces asparagine, which is neutral and polar, with serine, which is neutral and polar, at codon 99 of the OAT protein (p.Asn99Ser). This variant is not present in population databases (gnomAD no frequency). This variant has not been reported in the literature in individuals affected with OAT-related conditions. Algorithms developed to predict the effect of missense changes on protein structure and function output the following: SIFT: "Tolerated"; PolyPhen-2: "Benign"; Align-GVGD: "Class C0". The serine amino acid residue is found in multiple mammalian species, which suggests that this missense change does not adversely affect protein function. In summary, the available evidence is currently insufficient to determine the role of this variant in disease. Therefore, it has been classified as a Variant of Uncertain Significance.

NM_000274.4(OAT):c.296A>G (p.Asn99Ser)

Gene: OAT (ornithine aminotransferase; minus strand). Cytogenetic location: 10q26.13.
Variant type: single nucleotide variant.
Coding change: c.296A>G on transcript NM_000274.4 (MANE Select); coding-DNA position 296, A replaced by G.
Protein change: p.Asn99Ser; replaces asparagine 99 with serine.
Molecular consequence: missense variant. On other transcripts: 5 prime UTR variant (2), intron variant (1).
Genome position (GRCh38, 1-based): chr10:124,408,869, T>C on the plus strand (A>G on the coding strand, the complement: OAT is on the minus strand). VCF-style: chr10-124408869-T-C. GRCh37 (hg19) VCF-style: chr10-126097438-T-C.
Other names: c.-119A>G (NM_001171814.2); c.296A>G, p.Asn99Ser (NM_001322965.2, NM_001322966.2, NM_001322967.2 and 3 more transcripts); c.-419A>G (NM_001322974.2); c.199+3104A>G (NM_001322971.2); short protein forms N99S.
Identifiers: ClinVar variation 2098862 (VCV002098862.1), dbSNP rs1951677235, ClinGen allele CA378637381.